The following is an entry in ClinVar:

NM_004055.5(CAPN5):c.70A>G (p.Lys24Glu)

Gene: CAPN5 (calpain 5; plus strand). Cytogenetic location: 11q13.5.
Variant type: single nucleotide variant.
Coding change: c.70A>G on transcript NM_004055.5 (MANE Select); coding-DNA position 70, A replaced by G.
Protein change: p.Lys24Glu; replaces lysine 24 with glutamic acid.
Molecular consequence: missense variant.
Genome position (GRCh38, 1-based): chr11:77,084,956, A>G. VCF-style: chr11-77084956-A-G. GRCh37 (hg19) VCF-style: chr11-76796002-A-G.
Other names: short protein forms K24E.
Identifiers: ClinVar variation 1047623 (VCV001047623.9), dbSNP rs1201601451, ClinGen allele CA381926869.

ClinVar aggregate classification (germline): Uncertain significance. Review status: criteria provided, multiple submitters, no conflicts (2 of 4 stars). 2 submissions from 2 submitters: Uncertain significance (2). Last evaluated 2024-01-08.

Allele frequency attached by ClinVar (database versions not stated): TOPMed below 0.00001; gnomAD 0.00001.
gnomAD v4.1: 3 of 1,613,646 alleles (0.00019%); highest among the groups gnomAD compares: Non-Finnish European, 0.00025%; no homozygotes.

Submissions (2):

Labcorp Genetics (formerly Invitae), Labcorp
Classification: Uncertain significance. Last evaluated: 2024-01-08. Review status: criteria provided, single submitter. Criteria: Invitae Variant Classification Sherloc (09022015). Collection method: clinical testing. Allele origin: germline.
Comment: This sequence change replaces lysine, which is basic and polar, with glutamic acid, which is acidic and polar, at codon 24 of the CAPN5 protein (p.Lys24Glu). This variant is not present in population databases (gnomAD no frequency). This variant has not been reported in the literature in individuals affected with CAPN5-related conditions. ClinVar contains an entry for this variant (Variation ID: 1047623). Advanced modeling of protein sequence and biophysical properties (such as structural, functional, and spatial information, amino acid conservation, physicochemical variation, residue mobility, and thermodynamic stability) performed at Invitae indicates that this missense variant is not expected to disrupt CAPN5 protein function with a negative predictive value of 80%. In summary, the available evidence is currently insufficient to determine the role of this variant in disease. Therefore, it has been classified as a Variant of Uncertain Significance.

Blueprint Genetics
Classification: Uncertain significance. Last evaluated: 2018-07-24. Review status: criteria provided, single submitter. Criteria: ACMG Guidelines, 2015. Collection method: clinical testing. Allele origin: germline.